The following is an entry in ClinVar:

NM_003680.4(YARS1):c.1291A>T (p.Met431Leu)

Gene: YARS1 (tyrosyl-tRNA synthetase 1; minus strand). Cytogenetic location: 1p35.1.
Variant type: single nucleotide variant.
Coding change: c.1291A>T on transcript NM_003680.4 (MANE Select); coding-DNA position 1291, A replaced by T.
Protein change: p.Met431Leu; replaces methionine 431 with leucine.
Molecular consequence: missense variant.
Genome position (GRCh38, 1-based): chr1:32,780,128, T>A on the plus strand (A>T on the coding strand, the complement: YARS1 is on the minus strand). VCF-style: chr1-32780128-T-A. GRCh37 (hg19) VCF-style: chr1-33245729-T-A.
Other names: short protein forms M431L.
Identifiers: ClinVar variation 464873 (VCV000464873.24), dbSNP rs149620809, ClinGen allele CA744933.

ClinVar aggregate classification (germline): Conflicting classifications of pathogenicity. Review status: criteria provided, conflicting classifications (1 of 4 stars). 6 submissions from 6 submitters: Uncertain significance (1); Benign (1); Likely benign (3). 1 of the submissions does not count toward it. Last evaluated 2026-01-25.

Conditions:
Inborn genetic diseases. Identifiers: MedGen C0950123, MeSH D030342.
Charcot-Marie-Tooth disease dominant intermediate C (CMTDIC). Also called: CHARCOT-MARIE-TOOTH NEUROPATHY, DOMINANT INTERMEDIATE C. Identifiers: Orphanet 100045, MedGen C1842237, MONDO:0012012, OMIM 608323.
YARS1-related disorder. Also called: YARS1-related condition.

Allele frequency attached by ClinVar (database versions not stated): gnomAD exomes 0.00010 and 0.00033; ExAC 0.00040; 1000 Genomes Project 0.00100; ESP Exome Variant Server 0.00108; 1000 Genomes Project 30x 0.00109; gnomAD 0.00115 and 0.00128; TOPMed 0.00139.
gnomAD v4.1: 333 of 1,614,112 alleles (0.021%); highest among the groups gnomAD compares: African/African-American, 0.4%; no homozygotes.

Submissions (6):

Labcorp Genetics (formerly Invitae), Labcorp
Classification: Likely benign for Charcot-Marie-Tooth disease dominant intermediate C. Last evaluated: 2026-01-25. Review status: criteria provided, single submitter. Criteria: Invitae Variant Classification Sherloc (09022015). Collection method: clinical testing. Allele origin: germline.

ARUP Laboratories, Molecular Genetics and Genomics, ARUP Laboratories
Classification: Likely benign. Last evaluated: 2025-06-27. Review status: criteria provided, single submitter. Criteria: ARUP Molecular Germline Variant Investigation Process 2024. Collection method: clinical testing. Allele origin: germline.

Ambry Genetics
Classification: Likely benign for Inborn genetic diseases. Last evaluated: 2020-07-23. Review status: criteria provided, single submitter. Criteria: Ambry Variant Classification Scheme 2023. Collection method: clinical testing. Allele origin: germline.

Illumina Laboratory Services, Illumina
Classification: Benign for Charcot-Marie-Tooth disease dominant intermediate C. Last evaluated: 2018-01-12. Review status: criteria provided, single submitter. Criteria: ICSL Variant Classification Criteria 13 December 2019. Collection method: clinical testing. Allele origin: germline.
Comment: This variant was observed in the ICSL laboratory as part of a predisposition screen in an ostensibly healthy population. It had not been previously curated by ICSL or reported in the Human Gene Mutation Database (HGMD: prior to June 1st, 2018), and was therefore a candidate for classification through an automated scoring system. Utilizing variant allele frequency, disease prevalence and penetrance estimates, and inheritance mode, an automated score was calculated to assess if this variant is too frequent to cause the disease. Based on the score and internal cut-off values, a variant classified as benign is not then subjected to further curation. The score for this variant resulted in a classification of benign for this disease.

Eurofins Ntd Llc (ga)
Classification: Uncertain significance. Last evaluated: 2017-01-25. Review status: criteria provided, single submitter. Criteria: EGL Classification Definitions 2015. Collection method: clinical testing. Allele origin: germline. Observed: 1 variant allele, 1 heterozygote.

PreventionGenetics, part of Exact Sciences
Classification: Benign for YARS1-related condition. Last evaluated: 2019-09-04. Review status: no assertion criteria provided. Collection method: clinical testing. Allele origin: germline. Not counted in ClinVar's aggregate classification.
Comment: This variant is classified as benign based on ACMG/AMP sequence variant interpretation guidelines (Richards et al. 2015 PMID: 25741868, with internal and published modifications).